The following is an entry in ClinVar:

ClinVar aggregate classification (germline): Uncertain significance (1 of 4 stars; one submission).

Conditions:
Saldino-Mainzer syndrome (SRTD9). Also called: Renal dysplasia, retinal pigmentary dystrophy, cerebellar ataxia and skeletal dysplasia; CONORENAL SYNDROME; short-rib thoracic dysplasia 9 with or without polydactyly; SHORT-RIB THORACIC DYSPLASIA 9 WITHOUT POLYDACTYLY. Identifiers: Orphanet 140969, MedGen C1849437, MONDO:0009964, OMIM 266920.

Allele frequency attached by ClinVar (database versions not stated): TOPMed below 0.00001; gnomAD 0.00001.

Submission:

Labcorp Genetics (formerly Invitae), Labcorp
Classification: Uncertain significance for Saldino-Mainzer syndrome. Last evaluated: 2024-09-18. Review status: criteria provided, single submitter. Criteria: Invitae Variant Classification Sherloc (09022015). Collection method: clinical testing. Allele origin: germline.
Comment: This sequence change replaces leucine, which is neutral and non-polar, with isoleucine, which is neutral and non-polar, at codon 947 of the IFT140 protein (p.Leu947Ile). This variant is not present in population databases (gnomAD no frequency). This variant has not been reported in the literature in individuals affected with IFT140-related conditions. ClinVar contains an entry for this variant (Variation ID: 1929994). Invitae Evidence Modeling of protein sequence and biophysical properties (such as structural, functional, and spatial information, amino acid conservation, physicochemical variation, residue mobility, and thermodynamic stability) indicates that this missense variant is not expected to disrupt IFT140 protein function with a negative predictive value of 95%. In summary, the available evidence is currently insufficient to determine the role of this variant in disease. Therefore, it has been classified as a Variant of Uncertain Significance.

NM_014714.4(IFT140):c.2839C>A (p.Leu947Ile)

Genes: IFT140 (intraflagellar transport 140; minus strand), LOC126862260 (CDK7 strongly-dependent group 2 enhancer GRCh37_chr16:1574508-1575707; plus strand). Cytogenetic location: 16p13.3.
Variant type: single nucleotide variant.
Coding change: c.2839C>A on transcript NM_014714.4 (MANE Select); coding-DNA position 2839, C replaced by A.
Protein change: p.Leu947Ile; replaces leucine 947 with isoleucine.
Molecular consequence: missense variant.
Genome position (GRCh38, 1-based): chr16:1,525,256, G>T on the plus strand (C>A on the coding strand, the complement: IFT140 is on the minus strand). VCF-style: chr16-1525256-G-T. GRCh37 (hg19) VCF-style: chr16-1575257-G-T.
Other names: short protein forms L947I.
Identifiers: ClinVar variation 1929994 (VCV001929994.4), dbSNP rs2040651830, ClinGen allele CA394226729.